The following is an entry in ClinVar:

ClinVar aggregate classification (germline): Likely benign (1 of 4 stars; one submission).

Conditions:
Microcephaly 7, primary, autosomal recessive. Identifiers: Orphanet 2512, MedGen C2675187, MONDO:0012989, OMIM 612703.

Allele frequency attached by ClinVar (database versions not stated): gnomAD 0.00035 and 0.00053; gnomAD exomes 0.00045; TOPMed 0.00064; 1000 Genomes Project 30x 0.00297; 1000 Genomes Project 0.00339.
gnomAD v4.1: 89 of 171,808 alleles (0.052%); highest among the groups gnomAD compares: East Asian, 0.76%; 2 homozygotes.

Submission:

Illumina Laboratory Services, Illumina
Classification: Likely benign for Microcephaly 7, primary, autosomal recessive. Last evaluated: 2018-01-13. Review status: criteria provided, single submitter. Criteria: ICSL Variant Classification Criteria 13 December 2019. Collection method: clinical testing. Allele origin: germline.
Comment: This variant was observed in the ICSL laboratory as part of a predisposition screen in an ostensibly healthy population. It had not been previously curated by ICSL or reported in the Human Gene Mutation Database (HGMD: prior to June 1st, 2018), and was therefore a candidate for classification through an automated scoring system. Utilizing variant allele frequency, disease prevalence and penetrance estimates, and inheritance mode, an automated score was calculated to assess if this variant is too frequent to cause the disease. Based on the score and internal cut-off values, a variant classified as likely benign is not then subjected to further curation. The score for this variant resulted in a classification of likely benign for this disease.

NM_001048166.1(STIL):c.*730A>G

Gene: STIL (STIL centriolar assembly protein; minus strand). Cytogenetic location: 1p33.
Variant type: single nucleotide variant.
Coding change: c.*730A>G on transcript NM_001048166.1 (MANE Select); 730 bases downstream of the stop codon, A replaced by G.
Molecular consequence: 3 prime UTR variant.
Genome position (GRCh38, 1-based): chr1:47,250,406, T>C on the plus strand (A>G on the coding strand, the complement: STIL is on the minus strand). VCF-style: chr1-47250406-T-C. GRCh37 (hg19) VCF-style: chr1-47716078-T-C.
Other names: c.*730A>G (NM_001282936.1, NM_001282937.1, NM_001282938.1 and 3 more transcripts).
Identifiers: ClinVar variation 875683 (VCV000875683.4), dbSNP rs184977531, ClinGen allele CA22067278.